The following is an entry in ClinVar:

ClinVar aggregate classification (germline): Pathogenic (0 of 4 stars; one submission).

Conditions:
Weiss-Kruszka syndrome. Also called: Metopic ridging-ptosis-facial dysmorphism syndrome. Identifiers: Orphanet 502430, MedGen C5568107, MONDO:0032836, OMIM 618619.

Submission:

Clinical Genomics Laboratory, Stanford Medicine
Classification: Pathogenic for Weiss-Kruszka syndrome. Last evaluated: 2020-06-19. Review status: no assertion criteria provided. Collection method: clinical testing. Allele origin: germline. Inheritance: Autosomal dominant inheritance. Affected: yes.
Comment: This variant was absent from large population databases, including the Genome Aggregation Database. This variant leads to a premature stop codon in exon 5 of 13 coding exons, and is therefore predicted to undergo nonsense-mediated decay resulting in a truncated or absent protein. Heterozygous loss of function is an established mechanism of disease for the ZNF462 gene. These data were assessed using the ACMG/AMP variant interpretation guidelines. In summary, there is sufficient evidence to classify the p.Asp2023Valfs*28variant as pathogenic for autosomal dominant Weiss-Kruszka syndrome based on the information above. [ACMG evidence codes used: PVS1; PS2_Supporting;PM2]

NM_021224.6(ZNF462):c.6068_6072del (p.Asp2023fs)

Gene: ZNF462 (zinc finger protein 462; plus strand). Cytogenetic location: 9q31.2.
Variant type: Deletion.
Coding change: c.6068_6072del on transcript NM_021224.6 (MANE Select); coding-DNA positions 6068 to 6072, 5 bases deleted (ACAAG; older notation c.6068_6072delACAAG).
Protein change: p.Asp2023fs; shifts the reading frame from aspartic acid 2023.
Molecular consequence: frameshift variant.
Genome position (GRCh38, 1-based): chr9:106,932,501-106,932,505, ACAAG deleted; deleting any 5 consecutive bases within chr9:106,932,500-106,932,505 gives the same sequence; the c. name uses the placement nearest the transcript's 3' end. VCF-style (leftmost placement, unchanged base first): chr9-106932499-GGACAA-G. GRCh37 (hg19) VCF-style: chr9-109694780-GGACAA-G.
Other names: c.3473_3477del, p.Asp1158fs (NM_001347997.2); short protein forms D1158fs, D2023fs.
Identifiers: ClinVar variation 976789 (VCV000976789.1), dbSNP rs1830464621, ClinGen allele CA1139661114.